The following is an entry in ClinVar:

ClinVar aggregate classification (germline): Uncertain significance (1 of 4 stars; one submission).

Conditions:
Pityriasis rubra pilaris (PRP). Also called: Pityriasis rubra pilaris--familial type. Identifiers: Orphanet 2897, MedGen C0032027, MONDO:0100017, OMIM 173200, MONDO:0008251.
Psoriasis 2. Identifiers: MedGen C1864497, MONDO:0011269, OMIM 602723.

Submission:

Labcorp Genetics (formerly Invitae), Labcorp
Classification: Uncertain significance for Pityriasis rubra pilaris; Psoriasis 2. Last evaluated: 2023-05-05. Review status: criteria provided, single submitter. Criteria: Invitae Variant Classification Sherloc (09022015). Collection method: clinical testing. Allele origin: germline.
Comment: In summary, the available evidence is currently insufficient to determine the role of this variant in disease. Therefore, it has been classified as a Variant of Uncertain Significance. This variant has not been reported in the literature in individuals affected with CARD14-related conditions. This variant is not present in population databases (gnomAD no frequency). This sequence change creates a premature translational stop signal (p.Cys5Profs*93) in the CARD14 gene. It is expected to result in an absent or disrupted protein product. However, the current clinical and genetic evidence is not sufficient to establish whether loss-of-function variants in CARD14 cause disease.

NM_001366385.1(CARD14):c.13_14del (p.Cys5fs)

Gene: CARD14 (caspase recruitment domain family member 14; plus strand). Cytogenetic location: 17q25.3.
Variant type: Microsatellite.
Coding change: c.13_14del on transcript NM_001366385.1 (MANE Select); coding-DNA positions 13 to 14, 2 bases deleted (TG; older notation c.13_14delTG).
Protein change: p.Cys5fs; shifts the reading frame from cysteine 5.
Molecular consequence: frameshift variant. On other transcripts: non-coding transcript variant (1).
Genome position (GRCh38, 1-based): chr17:80,181,451-80,181,452, TG deleted; deleting any 2 consecutive bases within chr17:80,181,449-80,181,452 gives the same sequence; the c. name uses the placement nearest the transcript's 3' end. VCF-style (leftmost placement, unchanged base first): chr17-80181448-CTG-C. GRCh37 (hg19) VCF-style: chr17-78155247-CTG-C.
Other names: c.13_14del, p.Cys5fs (NM_001257970.1, NM_024110.4); short protein forms C5fs.
Identifiers: ClinVar variation 2947488 (VCV002947488.3), dbSNP rs2510552861, ClinGen allele CA2740093945.